The following is an entry in ClinVar:

ClinVar aggregate classification (germline): Pathogenic. Review status: criteria provided, multiple submitters, no conflicts (2 of 4 stars). 3 submissions from 3 submitters: Pathogenic (3). Last evaluated 2023-02-11.

Conditions:
Cardiovascular phenotype. Identifiers: MedGen CN230736.
Hypertrophic cardiomyopathy. Also called: HYPERTROPHIC MYOCARDIOPATHY. Identifiers: Orphanet 217569, MedGen C0007194, MeSH D002312, MONDO:0005045, HP:0001639.

Submissions (3):

Labcorp Genetics (formerly Invitae), Labcorp
Classification: Pathogenic for Hypertrophic cardiomyopathy. Last evaluated: 2023-02-11. Review status: criteria provided, single submitter. Criteria: Invitae Variant Classification Sherloc (09022015). Collection method: clinical testing. Allele origin: germline.
Comment: This premature translational stop signal has been observed in individual(s) with hypertrophic cardiomyopathy (HCM) (PMID: 19150014, 22765922). This variant is not present in population databases (gnomAD no frequency). This sequence change creates a premature translational stop signal (p.Gly532Alafs*23) in the MYBPC3 gene. It is expected to result in an absent or disrupted protein product. Loss-of-function variants in MYBPC3 are known to be pathogenic (PMID: 19574547). For these reasons, this variant has been classified as Pathogenic. ClinVar contains an entry for this variant (Variation ID: 181067).

Ambry Genetics
Classification: Pathogenic for Cardiovascular phenotype. Last evaluated: 2022-05-05. Review status: criteria provided, single submitter. Criteria: Ambry Variant Classification Scheme 2023. Collection method: clinical testing. Allele origin: germline.
Comment: The c.1595delG pathogenic mutation, located in coding exon 17 of the MYBPC3 gene, results from a deletion of one nucleotide at nucleotide position 1595, causing a translational frameshift with a predicted alternate stop codon (p.G532Afs*23). This variant has been detected in individuals with hypertrophic cardiomyopathy (HCM) or from HCM cohorts (Garc&iacute;a-Castro M et al. Rev Esp Cardiol, 2009 Jan;62:48-56; Wang J et al. Eur J Heart Fail, 2014 Sep;16:950-7). This variant is considered to be rare based on population cohorts in the Genome Aggregation Database (gnomAD). In addition to the clinical data presented in the literature, this alteration is expected to result in loss of function by premature protein truncation or nonsense-mediated mRNA decay. As such, this alteration is interpreted as a disease-causing mutation.

GeneDx
Classification: Pathogenic. Last evaluated: 2018-12-26. Review status: criteria provided, single submitter. Criteria: GeneDx Variant Classification Process June 2021. Collection method: clinical testing. Allele origin: germline. Affected: yes.
Comment: Reported in ClinVar as pathogenic but additional evidence is not available (ClinVar Variant ID# 181067; Landrum et al., 2016); Not observed in large population cohorts (Lek et al., 2016); Frameshift variant predicted to result in protein truncation or nonsense mediated decay in a gene for which loss-of-function is a known mechanism of disease; This variant is associated with the following publications: (PMID: 19150014, 22765922)

Literature cited by the submitters: PubMed 19150014 (cited by Labcorp Genetics (formerly Invitae), Labcorp and Ambry Genetics); PubMed 22765922 (cited by Labcorp Genetics (formerly Invitae), Labcorp); PubMed 19574547 (cited by Labcorp Genetics (formerly Invitae), Labcorp); PubMed 20594303 (cited by Ambry Genetics); PubMed 25132132 (cited by Ambry Genetics).

NM_000256.3(MYBPC3):c.1595del (p.Gly532fs)

Gene: MYBPC3 (myosin binding protein C3; minus strand). Cytogenetic location: 11p11.2.
Variant type: Deletion.
Coding change: c.1595del on transcript NM_000256.3 (MANE Select); coding-DNA position 1595, one base deleted (G; older notation c.1595delG).
Protein change: p.Gly532fs; shifts the reading frame from glycine 532.
Molecular consequence: frameshift variant.
Genome position (GRCh38, 1-based): chr11:47,342,607, C deleted on the plus strand (G on the coding strand, the reverse complement: MYBPC3 is on the minus strand); the first of 5 consecutive C bases (chr11:47,342,607-47,342,611); deleting any one gives the same sequence. VCF-style (leftmost placement, unchanged base first): chr11-47342606-GC-G. GRCh37 (hg19) VCF-style: chr11-47364157-GC-G.
Other names: c.1595del, p.Gly532fs (LRG_386t1); c.1595delG (NM_000256.3); short protein forms G532fs.
Identifiers: ClinVar variation 181067 (VCV000181067.11), dbSNP rs730880640, ClinGen allele CA010697.
Genomic context (GRCh38, chr11:47,342,606, plus strand): 5'-AAAGCCTCATGTGCCCCCCCAGCCAGGCTCACCCTGCACAATGAGCTCAGCCAGCGCCTG[GC>G]CCCCGCTAGTGCACAGTGCATAGTGCCCCGCGTCCTCCAGCATGGCCTCGTTGATGATCA-3'